The following is an entry in ClinVar:

ClinVar aggregate classification (germline): Uncertain significance (1 of 4 stars; one submission).

Submission:

GeneDx
Classification: Uncertain significance. Last evaluated: 2024-11-21. Review status: criteria provided, single submitter. Criteria: GeneDx Variant Classification Process June 2021. Collection method: clinical testing. Allele origin: germline. Affected: yes.
Comment: Not observed at significant frequency in large population cohorts (gnomAD); In silico analysis indicates that this missense variant does not alter protein structure/function; Has not been previously published as pathogenic or benign to our knowledge

NM_018896.5(CACNA1G):c.3791G>A (p.Arg1264Lys)

Gene: CACNA1G (calcium voltage-gated channel subunit alpha1 G; plus strand). Cytogenetic location: 17q21.33.
Variant type: single nucleotide variant.
Coding change: c.3791G>A on transcript NM_018896.5 (MANE Select); coding-DNA position 3791, G replaced by A.
Protein change: p.Arg1264Lys; replaces arginine 1264 with lysine.
Molecular consequence: missense variant. On other transcripts: non-coding transcript variant (5).
Genome position (GRCh38, 1-based): chr17:50,600,826, G>A. VCF-style: chr17-50600826-G-A. GRCh37 (hg19) VCF-style: chr17-48678187-G-A.
Other names: c.3791G>A, p.Arg1264Lys (NM_001256324.2, NM_001256325.2, NM_001256326.2 and 16 more transcripts); c.3722G>A, p.Arg1241Lys (NM_001256332.2, NM_198376.3, NM_198379.3 and 5 more transcripts); short protein forms R1241K, R1264K.
Identifiers: ClinVar variation 3900232 (VCV003900232.1).